The following is an entry in ClinVar:

ClinVar aggregate classification (germline): Uncertain significance (1 of 4 stars; one submission).

Conditions:
Dyskeratosis congenita, autosomal dominant 6 (DKCA6). Identifiers: Orphanet 3322, MedGen C4225284, MONDO:0014690, OMIM 616553.

Allele frequency attached by ClinVar (database versions not stated): gnomAD exomes below 0.00001; ExAC 0.00001.

Submission:

Labcorp Genetics (formerly Invitae), Labcorp
Classification: Uncertain significance for Dyskeratosis congenita, autosomal dominant 6. Last evaluated: 2019-07-25. Review status: criteria provided, single submitter. Criteria: Invitae Variant Classification Sherloc (09022015). Collection method: clinical testing. Allele origin: germline.
Comment: This variant is present in population databases (rs758189246, ExAC 0.002%). This variant has not been reported in the literature in individuals with ACD-related conditions. Algorithms developed to predict the effect of missense changes on protein structure and function output the following: SIFT: "Tolerated"; PolyPhen-2: "Benign"; Align-GVGD: "Class C0". The valine amino acid residue is found in multiple mammalian species, suggesting that this missense change does not adversely affect protein function. These predictions have not been confirmed by published functional studies and their clinical significance is uncertain. In summary, the available evidence is currently insufficient to determine the role of this variant in disease. Therefore, it has been classified as a Variant of Uncertain Significance. This sequence change replaces alanine with valine at codon 70 of the ACD protein (p.Ala70Val). The alanine residue is weakly conserved and there is a small physicochemical difference between alanine and valine.

NC_000016.10:g.67660270G>A

Gene: ACD (ACD shelterin complex subunit and telomerase recruitment factor; minus strand). Cytogenetic location: 16q22.1.
Variant type: single nucleotide variant.
Genome position: GRCh38 VCF-style: chr16-67660270-G-A. GRCh37 (hg19) VCF-style: chr16-67694173-G-A.
Other names: short protein forms A70V.
Identifiers: ClinVar variation 950317 (VCV000950317.10), dbSNP rs758189246, ClinGen allele CA8114876.